The following is an entry in ClinVar:

NM_003803.4(MYOM1):c.1391G>A (p.Arg464Gln)

Gene: MYOM1 (myomesin 1; minus strand). Cytogenetic location: 18p11.31.
Variant type: single nucleotide variant.
Coding change: c.1391G>A on transcript NM_003803.4 (MANE Select); coding-DNA position 1391, G replaced by A.
Protein change: p.Arg464Gln; replaces arginine 464 with glutamine.
Molecular consequence: missense variant.
Genome position (GRCh38, 1-based): chr18:3,164,388, C>T on the plus strand (G>A on the coding strand, the complement: MYOM1 is on the minus strand). VCF-style: chr18-3164388-C-T. GRCh37 (hg19) VCF-style: chr18-3164386-C-T.
Other names: c.1391G>A, p.Arg464Gln (NM_019856.2); short protein forms R464Q.
Identifiers: ClinVar variation 960964 (VCV000960964.11), dbSNP rs370601300, ClinGen allele CA8874960.

ClinVar aggregate classification (germline): Uncertain significance. Review status: criteria provided, multiple submitters, no conflicts (2 of 4 stars). 2 submissions from 2 submitters: Uncertain significance (2). Last evaluated 2025-12-07.

Conditions:
Hypertrophic cardiomyopathy. Also called: HYPERTROPHIC MYOCARDIOPATHY. Identifiers: Orphanet 217569, MedGen C0007194, MeSH D002312, MONDO:0005045, HP:0001639.

Allele frequency attached by ClinVar (database versions not stated): gnomAD exomes 0.00002 and 0.00005; ExAC 0.00007; ESP Exome Variant Server 0.00008; TOPMed 0.00019; gnomAD 0.00023 and 0.00025; 1000 Genomes Project 30x 0.00031; 1000 Genomes Project 0.00040.
gnomAD v4.1: 69 of 1,610,780 alleles (0.0043%); highest among the groups gnomAD compares: African/African-American, 0.073%; 1 homozygote.

Submissions (2):

Labcorp Genetics (formerly Invitae), Labcorp
Classification: Uncertain significance for Hypertrophic cardiomyopathy. Last evaluated: 2025-12-07. Review status: criteria provided, single submitter. Criteria: Invitae Variant Classification Sherloc (09022015). Collection method: clinical testing. Allele origin: germline.
Comment: This sequence change replaces arginine, which is basic and polar, with glutamine, which is neutral and polar, at codon 464 of the MYOM1 protein (p.Arg464Gln). This variant is present in population databases (rs370601300, gnomAD 0.06%), and has an allele count higher than expected for a pathogenic variant. This variant has not been reported in the literature in individuals affected with MYOM1-related conditions. ClinVar contains an entry for this variant (Variation ID: 960964). Invitae Evidence Modeling of protein sequence and biophysical properties (such as structural, functional, and spatial information, amino acid conservation, physicochemical variation, residue mobility, and thermodynamic stability) indicates that this missense variant is not expected to disrupt MYOM1 protein function with a negative predictive value of 80%. In summary, the available evidence is currently insufficient to determine the role of this variant in disease. Therefore, it has been classified as a Variant of Uncertain Significance.

Ambry Genetics
Classification: Uncertain significance. Last evaluated: 2024-05-24. Review status: criteria provided, single submitter. Criteria: Ambry Variant Classification Scheme 2023. Collection method: clinical testing. Allele origin: germline.